The following is an entry in ClinVar:

NM_001174096.2(ZEB1):c.2414T>C (p.Ile805Thr)

Gene: ZEB1 (zinc finger E-box binding homeobox 1; plus strand). Cytogenetic location: 10p11.22.
Variant type: single nucleotide variant.
Coding change: c.2414T>C on transcript NM_001174096.2 (MANE Select); coding-DNA position 2414, T replaced by C.
Protein change: p.Ile805Thr; replaces isoleucine 805 with threonine.
Molecular consequence: missense variant.
Genome position (GRCh38, 1-based): chr10:31,521,746, T>C. VCF-style: chr10-31521746-T-C. GRCh37 (hg19) VCF-style: chr10-31810674-T-C.
Other names: c.1757T>C, p.Ile586Thr (NM_001323652.2, NM_001323653.2, NM_001323654.2 and 27 more transcripts); c.2363T>C, p.Ile788Thr (NM_001128128.3); c.2351T>C, p.Ile784Thr (NM_001174093.2); c.2360T>C, p.Ile787Thr (NM_001174094.2); c.2210T>C, p.Ile737Thr (NM_001174095.2); c.2189T>C, p.Ile730Thr (NM_001323674.2); c.2147T>C, p.Ile716Thr (NM_001323675.2); c.2372T>C, p.Ile791Thr (NM_001323676.2); and 3 more; short protein forms I737T, I788T, I790T, I805T, I713T, I784T, I804T, I586T.
Identifiers: ClinVar variation 709250 (VCV000709250.14), dbSNP rs1577181, ClinGen allele CA5461780.

ClinVar aggregate classification (germline): Benign/Likely benign. Review status: criteria provided, multiple submitters, no conflicts (2 of 4 stars). 5 submissions from 5 submitters: Benign (2); Likely benign (2). 1 of the submissions does not count toward it. Last evaluated 2026-10-01.

Conditions:
ZEB1-related disorder. Also called: ZEB1-related condition.
Corneal dystrophy, Fuchs endothelial, 6 (FECD6). Identifiers: Orphanet 98974, MedGen C2750448, MONDO:0013206, OMIM 613270.
Posterior polymorphous corneal dystrophy 3 (PPCD3). Identifiers: Orphanet 98973, MedGen C1836724, MONDO:0012200, OMIM 609141.

Allele frequency attached by ClinVar (database versions not stated): gnomAD exomes 0.00050 and 0.00239; gnomAD 0.00094 and 0.00096; 1000 Genomes Project 0.00120; 1000 Genomes Project 30x 0.00156; TOPMed 0.00169; ExAC 0.00191.
gnomAD v4.1: 873 of 1,614,100 alleles (0.054%); highest among the groups gnomAD compares: Admixed American, 1.4%; 9 homozygotes.

Submissions (5):

CeGaT Center for Human Genetics Tuebingen
Classification: Likely benign. Last evaluated: 2026-10-01. Review status: criteria provided, single submitter. Criteria: CeGaT Center For Human Genetics Tuebingen Variant Classification Criteria Version 2. Collection method: clinical testing. Allele origin: germline. Affected: yes. Observed: 1 variant allele.
Comment: ZEB1: BS1

Labcorp Genetics (formerly Invitae), Labcorp
Classification: Benign. Last evaluated: 2025-12-13. Review status: criteria provided, single submitter. Criteria: Invitae Variant Classification Sherloc (09022015). Collection method: clinical testing. Allele origin: germline.

Fulgent Genetics
Classification: Likely benign for Posterior polymorphous corneal dystrophy 3; Corneal dystrophy, Fuchs endothelial, 6. Last evaluated: 2022-04-12. Review status: criteria provided, single submitter. Criteria: ACMG Guidelines, 2015. Collection method: clinical testing. Allele origin: unknown.

Breakthrough Genomics
Classification: Benign. Review status: criteria provided, single submitter. Criteria: ACMG Guidelines, 2015. Collection method: not provided. Allele origin: germline. Inheritance: Unknown mechanism. Affected: yes.

PreventionGenetics, part of Exact Sciences
Classification: Benign for ZEB1-related condition. Last evaluated: 2019-06-17. Review status: no assertion criteria provided. Collection method: clinical testing. Allele origin: germline. Not counted in ClinVar's aggregate classification.
Comment: This variant is classified as benign based on ACMG/AMP sequence variant interpretation guidelines (Richards et al. 2015 PMID: 25741868, with internal and published modifications).